The following is an entry in ClinVar:

ClinVar aggregate classification (germline): Uncertain significance (1 of 4 stars; one submission).

Submission:

Women's Health and Genetics/Laboratory Corporation of America, LabCorp
Classification: Uncertain significance. Last evaluated: 2025-07-07. Review status: criteria provided, single submitter. Criteria: LabCorp Variant Classification Summary - May 2015. Collection method: clinical testing. Allele origin: germline.
Comment: Variant summary: CFTR c.3779T>G (p.Leu1260Arg) results in a non-conservative amino acid change in the encoded protein sequence. Algorithms developed to predict the effect of missense changes on protein structure and function all suggest that this variant is likely to be disruptive. The variant was absent in 251030 control chromosomes. The available data on variant occurrences in the general population are insufficient to allow any conclusion about variant significance. To our knowledge, no occurrence of c.3779T>G in individuals affected with Cystic Fibrosis and no experimental evidence demonstrating its impact on protein function have been reported. No submitters have cited clinical-significance assessments for this variant to ClinVar. Based on the evidence outlined above, the variant was classified as uncertain significance.

NM_000492.4(CFTR):c.3779T>G (p.Leu1260Arg)

Genes: CFTR (CF transmembrane conductance regulator; plus strand), CFTR-AS2 (CFTR antisense RNA 2; minus strand). Cytogenetic location: 7q31.2.
Variant type: single nucleotide variant.
Coding change: c.3779T>G on transcript NM_000492.4 (MANE Select); coding-DNA position 3779, T replaced by G.
Protein change: p.Leu1260Arg; replaces leucine 1260 with arginine.
Molecular consequence: missense variant.
Genome position (GRCh38, 1-based): chr7:117,642,499, T>G. VCF-style: chr7-117642499-T-G. GRCh37 (hg19) VCF-style: chr7-117282553-T-G.
Other names: short protein forms L1260R.
Identifiers: ClinVar variation 4526121 (VCV004526121.1).
Genomic context (GRCh38, chr7:117,642,499, plus strand): 5'-TGGGCCTCTTGGGAAGAACTGGATCAGGGAAGAGTACTTTGTTATCAGCTTTTTTGAGAC[T>G]ACTGAACACTGAAGGAGAAATCCAGATCGATGGTGTGTCTTGGGATTCAATAACTTTGCA-3'
Protein context (NP_000483.3, residues 1250-1270): KSTLLSAFLR[Leu1260Arg]LNTEGEIQID